The following is an entry in ClinVar:

NM_014339.7(IL17RA):c.2053C>A (p.Pro685Thr)

Gene: IL17RA (interleukin 17 receptor A; plus strand). Cytogenetic location: 22q11.1.
Variant type: single nucleotide variant.
Coding change: c.2053C>A on transcript NM_014339.7 (MANE Select); coding-DNA position 2053, C replaced by A.
Protein change: p.Pro685Thr; replaces proline 685 with threonine.
Molecular consequence: missense variant.
Genome position (GRCh38, 1-based): chr22:17,109,272, C>A. VCF-style: chr22-17109272-C-A. GRCh37 (hg19) VCF-style: chr22-17590162-C-A.
Other names: c.2053C>A (NM_014339.5); c.1951C>A, p.Pro651Thr (NM_001289905.2); short protein forms P651T, P685T.
Identifiers: ClinVar variation 1977647 (VCV001977647.5), dbSNP rs1484059759, ClinGen allele CA410220371.

ClinVar aggregate classification (germline): Uncertain significance. Review status: criteria provided, multiple submitters, no conflicts (2 of 4 stars). 2 submissions from 2 submitters: Uncertain significance (2). Last evaluated 2025-09-26.

Conditions:
Immunodeficiency 51 (IMD51). Also called: CANDIDIASIS, FAMILIAL, 5. Identifiers: Orphanet 1334, MedGen C4310803, MONDO:0013500, OMIM 613953.

Allele frequency attached by ClinVar (database versions not stated): gnomAD exomes below 0.00001.
gnomAD v4.1: 6 of 1,509,400 alleles (0.0004%); highest among the groups gnomAD compares: South Asian, 0.0025%; no homozygotes.

Submissions (2):

Ambry Genetics
Classification: Uncertain significance. Last evaluated: 2025-09-26. Review status: criteria provided, single submitter. Criteria: Ambry Variant Classification Scheme 2023. Collection method: clinical testing. Allele origin: germline.

Labcorp Genetics (formerly Invitae), Labcorp
Classification: Uncertain significance for Immunodeficiency 51. Last evaluated: 2022-07-19. Review status: criteria provided, single submitter. Criteria: Invitae Variant Classification Sherloc (09022015). Collection method: clinical testing. Allele origin: germline.
Comment: This sequence change replaces proline, which is neutral and non-polar, with threonine, which is neutral and polar, at codon 685 of the IL17RA protein (p.Pro685Thr). The frequency data for this variant in the population databases is considered unreliable, as metrics indicate poor data quality at this position in the gnomAD database. This variant has not been reported in the literature in individuals affected with IL17RA-related conditions. Algorithms developed to predict the effect of missense changes on protein structure and function (SIFT, PolyPhen-2, Align-GVGD) all suggest that this variant is likely to be tolerated. In summary, the available evidence is currently insufficient to determine the role of this variant in disease. Therefore, it has been classified as a Variant of Uncertain Significance.